The following is an entry in ClinVar:

NM_001165963.4(SCN1A):c.1378-3T>C

Gene: SCN1A (sodium voltage-gated channel alpha subunit 1; minus strand). Cytogenetic location: 2q24.3.
Variant type: single nucleotide variant.
Coding change: c.1378-3T>C on transcript NM_001165963.4 (MANE Select); 3 bases into the intron before coding-DNA position 1378, T replaced by C.
Molecular consequence: intron variant.
Genome position (GRCh38, 1-based): chr2:166,045,330, A>G on the plus strand (T>C on the coding strand, the complement: SCN1A is on the minus strand). VCF-style: chr2-166045330-A-G. GRCh37 (hg19) VCF-style: chr2-166901840-A-G.
Other names: c.1378-3T>C (NM_001353949.2, NM_001353958.2, NM_001353950.2 and 8 more transcripts); c.1378-6T>C (NM_001353955.2, NM_001353960.2, NM_001353954.2); c.-1048-3T>C (NM_001353961.2).
Identifiers: ClinVar variation 138973 (VCV000138973.53), dbSNP rs150964803, ClinGen allele CA293161.

ClinVar aggregate classification (germline): Conflicting classifications of pathogenicity. Review status: criteria provided, conflicting classifications (1 of 4 stars). 11 submissions from 10 submitters: Uncertain significance (1); Benign (2); Likely benign (5). 3 of the submissions do not count toward it. Last evaluated 2026-01-26.

Conditions:
SCN1A-related disorder. Also called: SCN1A-related disorders; SCN1A-related conditions; SCN1A-related condition.
Early-infantile DEE. Also called: Early infantile epileptic encephalopathy; Early infantile epileptic encephalopathy with suppression bursts; Ohtahara syndrome. Identifiers: Orphanet 1934, MedGen C0393706, MONDO:0800491.
Inborn genetic diseases. Identifiers: MedGen C0950123, MeSH D030342.
Generalized epilepsy with febrile seizures plus, type 2 (GEFSP2). Also called: GEFS+, TYPE 2. Identifiers: Orphanet 36387, MedGen C1858673, MONDO:0011461, OMIM 604403.
Migraine, familial hemiplegic, 3. Identifiers: Orphanet 569, MedGen C1864987, MONDO:0012320, OMIM 609634.

Allele frequency attached by ClinVar (database versions not stated): gnomAD 0.00015 and 0.00016; ESP Exome Variant Server 0.00023; TOPMed 0.00025; 1000 Genomes Project 30x 0.00031; gnomAD exomes 0.00032 and 0.00034; ExAC 0.00034; 1000 Genomes Project 0.00040.
gnomAD v4.1: 482 of 1,614,018 alleles (0.03%); highest among the groups gnomAD compares: Admixed American, 0.098%; no homozygotes.

Submissions (11):

Labcorp Genetics (formerly Invitae), Labcorp
Classification: Likely benign for Early-infantile DEE. Last evaluated: 2026-01-26. Review status: criteria provided, single submitter. Criteria: Invitae Variant Classification Sherloc (09022015). Collection method: clinical testing. Allele origin: germline.

CeGaT Center for Human Genetics Tuebingen
Classification: Likely benign. Last evaluated: 2024-05-01. Review status: criteria provided, single submitter. Criteria: CeGaT Center For Human Genetics Tuebingen Variant Classification Criteria Version 2. Collection method: clinical testing. Allele origin: germline. Affected: yes. Observed: 2 variant alleles.
Comment: SCN1A: BP4, BS1

Women's Health and Genetics/Laboratory Corporation of America, LabCorp
Classification: Benign. Last evaluated: 2023-02-03. Review status: criteria provided, single submitter. Criteria: LabCorp Variant Classification Summary - May 2015. Collection method: clinical testing. Allele origin: germline.

Ambry Genetics
Classification: Likely benign for Inborn genetic diseases. Last evaluated: 2018-05-23. Review status: criteria provided, single submitter. Criteria: Ambry Variant Classification Scheme 2023. Collection method: clinical testing. Allele origin: germline.

Illumina Laboratory Services, Illumina
Classification: Likely benign for Migraine, familial hemiplegic, 3. Last evaluated: 2018-01-13. Review status: criteria provided, single submitter. Criteria: ICSL Variant Classification Criteria 13 December 2019. Collection method: clinical testing. Allele origin: germline.
Comment: This variant was observed in the ICSL laboratory as part of a predisposition screen in an ostensibly healthy population. It had not been previously curated by ICSL or reported in the Human Gene Mutation Database (HGMD: prior to June 1st, 2018), and was therefore a candidate for classification through an automated scoring system. Utilizing variant allele frequency, disease prevalence and penetrance estimates, and inheritance mode, an automated score was calculated to assess if this variant is too frequent to cause the disease. Based on the score and internal cut-off values, a variant classified as likely benign is not then subjected to further curation. The score for this variant resulted in a classification of likely benign for this disease.

Illumina Laboratory Services, Illumina
Classification: Uncertain significance for Generalized epilepsy with febrile seizures plus, type 2. Last evaluated: 2018-01-13. Review status: criteria provided, single submitter. Criteria: ICSL Variant Classification Criteria 13 December 2019. Collection method: clinical testing. Allele origin: germline.

Genetic Services Laboratory, University of Chicago
Classification: Likely benign. Last evaluated: 2015-12-17. Review status: criteria provided, single submitter. Criteria: ACMG Guidelines, 2015. Collection method: clinical testing. Allele origin: germline. Affected: no.

GeneDx
Classification: Benign. Last evaluated: 2013-04-03. Review status: criteria provided, single submitter. Criteria: GeneDx Variant Classification (06012015). Collection method: clinical testing. Allele origin: germline. Affected: yes.
Comment: This variant is considered likely benign or benign based on one or more of the following criteria: it is a conservative change, it occurs at a poorly conserved position in the protein, it is predicted to be benign by multiple in silico algorithms, and/or has population frequency not consistent with disease.

PreventionGenetics, part of Exact Sciences
Classification: Likely benign for SCN1A-related condition. Last evaluated: 2024-04-30. Review status: no assertion criteria provided. Collection method: clinical testing. Allele origin: germline. Not counted in ClinVar's aggregate classification.
Comment: This variant is classified as likely benign based on ACMG/AMP sequence variant interpretation guidelines (Richards et al. 2015 PMID: 25741868, with internal and published modifications).

Diagnostic Laboratory, Department of Genetics, University Medical Center Groningen
Classification: Likely benign. Review status: no assertion criteria provided. Collection method: clinical testing. Allele origin: germline. Affected: yes. Study: VKGL Data-share Consensus. Not counted in ClinVar's aggregate classification.

Genome Diagnostics Laboratory, University Medical Center Utrecht
Classification: Likely benign. Review status: no assertion criteria provided. Collection method: clinical testing. Allele origin: germline. Affected: yes. Study: VKGL Data-share Consensus. Not counted in ClinVar's aggregate classification.